The following is an entry in ClinVar:

ClinVar aggregate classification (germline): Uncertain significance (1 of 4 stars; one submission).

Conditions:
Hypodontia. Also called: TOOTH AGENESIS, FAMILIAL; Tooth agenesis, selective; Partial congenital absence of teeth. Identifiers: Orphanet 99798, MedGen C0020608, MONDO:0005486, HP:0000668. Disease mechanism: loss of function.

Submission:

Labcorp Genetics (formerly Invitae), Labcorp
Classification: Uncertain significance for Hypodontia. Last evaluated: 2024-05-28. Review status: criteria provided, single submitter. Criteria: Invitae Variant Classification Sherloc (09022015). Collection method: clinical testing. Allele origin: germline.
Comment: This sequence change replaces glycine, which is neutral and non-polar, with valine, which is neutral and non-polar, at codon 36 of the PAX9 protein (p.Gly36Val). This variant is not present in population databases (gnomAD no frequency). This variant has not been reported in the literature in individuals affected with PAX9-related conditions. Advanced modeling of protein sequence and biophysical properties (such as structural, functional, and spatial information, amino acid conservation, physicochemical variation, residue mobility, and thermodynamic stability) performed at Invitae indicates that this missense variant is expected to disrupt PAX9 protein function with a positive predictive value of 80%. In summary, the available evidence is currently insufficient to determine the role of this variant in disease. Therefore, it has been classified as a Variant of Uncertain Significance.

NM_001372076.1(PAX9):c.107G>T (p.Gly36Val)

Gene: PAX9 (paired box 9; plus strand). Cytogenetic location: 14q13.3.
Variant type: single nucleotide variant.
Coding change: c.107G>T on transcript NM_001372076.1 (MANE Select); coding-DNA position 107, G replaced by T.
Protein change: p.Gly36Val; replaces glycine 36 with valine.
Molecular consequence: missense variant.
Genome position (GRCh38, 1-based): chr14:36,662,999, G>T. VCF-style: chr14-36662999-G-T. GRCh37 (hg19) VCF-style: chr14-37132204-G-T.
Other names: c.107G>T, p.Gly36Val (NM_006194.4); short protein forms G36V.
Identifiers: ClinVar variation 3654880 (VCV003654880.2).